The following is an entry in ClinVar:

NM_001129729.3(PLEKHG4):c.2489G>A (p.Arg830His)

Gene: PLEKHG4 (pleckstrin homology and RhoGEF domain containing G4; plus strand). Cytogenetic location: 16q22.1.
Variant type: single nucleotide variant.
Coding change: c.2489G>A on transcript NM_001129729.3 (MANE Select); coding-DNA position 2489, G replaced by A.
Protein change: p.Arg830His; replaces arginine 830 with histidine.
Molecular consequence: missense variant.
Genome position (GRCh38, 1-based): chr16:67,286,320, G>A. VCF-style: chr16-67286320-G-A. GRCh37 (hg19) VCF-style: chr16-67320223-G-A.
Other names: c.2489G>A, p.Arg830His (NM_001129727.3, NM_001129728.2); c.2246G>A, p.Arg749His (NM_001129731.3); short protein forms R830H, R749H.
Identifiers: ClinVar variation 129966 (VCV000129966.7), dbSNP rs3868142, ClinGen allele CA154692.

ClinVar aggregate classification (germline): Benign. Review status: criteria provided, single submitter (1 of 4 stars). 2 submissions from 2 submitters: Benign (1). 1 of the submissions does not count toward it.

Allele frequency attached by ClinVar (database versions not stated): gnomAD exomes 0.09088 and 0.11717; ExAC 0.12892; gnomAD 0.21735 and 0.22609; TOPMed 0.22390; ESP Exome Variant Server 0.23576; 1000 Genomes Project 0.24141; 1000 Genomes Project 30x 0.25187.
gnomAD v4.1: 166,834 of 1,613,356 alleles (10%); highest among the groups gnomAD compares: African/African-American, 57%; 18,351 homozygotes.

Submissions (2):

Breakthrough Genomics
Classification: Benign. Review status: criteria provided, single submitter. Criteria: ACMG Guidelines, 2015. Collection method: not provided. Allele origin: germline. Inheritance: Unknown mechanism. Affected: yes.

Genetic Services Laboratory, University of Chicago
Classification: Likely benign for AllHighlyPenetrant. Review status: no assertion criteria provided. Collection method: clinical testing. Allele origin: germline. Inheritance: Autosomal dominant inheritance. Not counted in ClinVar's aggregate classification.
Comment: Likely benign based on allele frequency in 1000 Genomes Project or ESP global frequency and its presence in a patient with a rare or unrelated disease phenotype. NOT Sanger confirmed.